The following is an entry in ClinVar:

NM_025215.6(PUS1):c.107_122del (p.Pro36fs)

Genes: PUS1 (pseudouridine synthase 1; plus strand), LOC130009240 (ATAC-STARR-seq lymphoblastoid silent region 5107; plus strand). Cytogenetic location: 12q24.33.
Variant type: Deletion.
Coding change: c.107_122del on transcript NM_025215.6 (MANE Select); coding-DNA positions 107 to 122, 16 bases deleted (CGCCCGCCGGAGCCGC).
Protein change: p.Pro36fs; shifts the reading frame from proline 36.
Molecular consequence: frameshift variant.
Genome position (GRCh38, 1-based): chr12:131,929,939-131,929,954, CGCCCGCCGGAGCCGC deleted; deleting any 16 consecutive bases within chr12:131,929,930-131,929,954 gives the same sequence; the c. name uses the placement nearest the transcript's 3' end. VCF-style (leftmost placement, unchanged base first): chr12-131929929-GCGGAGCCGCCGCCCGC-G. GRCh37 (hg19) VCF-style: chr12-132414474-GCGGAGCCGCCGCCCGC-G.
Other names: c.23_38del, p.Pro8fs (NM_001002019.3, NM_001002020.3); short protein forms P8fs, P36fs.
Identifiers: ClinVar variation 2032014 (VCV002032014.7), dbSNP rs2541388871, ClinGen allele CA2575354230.

ClinVar aggregate classification (germline): Pathogenic/Likely pathogenic. Review status: criteria provided, multiple submitters, no conflicts (2 of 4 stars). 3 submissions from 3 submitters: Pathogenic (1); Likely pathogenic (2). Last evaluated 2025-02-10.

Conditions:
Myopathy, lactic acidosis, and sideroblastic anemia 1 (MLASA1). Identifiers: Orphanet 2598, MedGen C4551958, MONDO:0024553, OMIM 600462.

Submissions (3):

Labcorp Genetics (formerly Invitae), Labcorp
Classification: Pathogenic. Last evaluated: 2025-02-10. Review status: criteria provided, single submitter. Criteria: Invitae Variant Classification Sherloc (09022015). Collection method: clinical testing. Allele origin: germline.
Comment: This sequence change creates a premature translational stop signal (p.Pro36Hisfs*94) in the PUS1 gene. It is expected to result in an absent or disrupted protein product. Loss-of-function variants in PUS1 are known to be pathogenic (PMID: 17056637, 19731322, 25058219, 26556812). This variant is not present in population databases (gnomAD no frequency). This variant has not been reported in the literature in individuals affected with PUS1-related conditions. ClinVar contains an entry for this variant (Variation ID: 2032014). For these reasons, this variant has been classified as Pathogenic.

Fulgent Genetics
Classification: Likely pathogenic for Myopathy, lactic acidosis, and sideroblastic anemia 1. Last evaluated: 2024-04-27. Review status: criteria provided, single submitter. Criteria: ACMG Guidelines, 2015. Collection method: clinical testing. Allele origin: germline.

Baylor Genetics
Classification: Likely pathogenic for Myopathy, lactic acidosis, and sideroblastic anemia 1. Last evaluated: 2024-03-16. Review status: criteria provided, single submitter. Criteria: ACMG Guidelines, 2015. Collection method: clinical testing. Allele origin: unknown.

Literature cited by the submitters: PubMed 17056637 (cited by Labcorp Genetics (formerly Invitae), Labcorp); PubMed 19731322 (cited by Labcorp Genetics (formerly Invitae), Labcorp); PubMed 25058219 (cited by Labcorp Genetics (formerly Invitae), Labcorp); PubMed 26556812 (cited by Labcorp Genetics (formerly Invitae), Labcorp).